The following is an entry in ClinVar:

ClinVar aggregate classification (germline): Pathogenic. Review status: criteria provided, multiple submitters, no conflicts (2 of 4 stars). 3 submissions from 3 submitters: Pathogenic (3). Last evaluated 2026-02-25.

Conditions:
Familial adenomatous polyposis 1 (FAP1). Also called: FAMILIAL ADENOMATOUS POLYPOSIS 1, ATTENUATED; POLYPOSIS, ADENOMATOUS INTESTINAL. Identifiers: MedGen C2713442, MONDO:0021056, OMIM 175100. Disease mechanism: loss of function.
Hereditary cancer-predisposing syndrome. Also called: Tumor predisposition; Hereditary Cancer Syndrome; Neoplastic Syndromes, Hereditary; Hereditary neoplastic syndrome. Identifiers: Orphanet 140162, MedGen C0027672, MeSH D009386, MONDO:0015356.

Submissions (3):

Myriad Genetics, Inc.
Classification: Pathogenic for Familial adenomatous polyposis 1. Last evaluated: 2026-02-25. Review status: criteria provided, single submitter. Criteria: Myriad Autosomal Dominant, Autosomal Recessive and X-Linked Classification Criteria (2023). Collection method: clinical testing. Allele origin: unknown.
Comment: This variant is considered pathogenic. This variant occurs within a consensus splice junction and is predicted to result in abnormal mRNA splicing of either an out-of-frame exon or an in-frame exon necessary for protein stability and/or normal function. This variant has shown to segregate with cancer in one or more families [PMID: 11933206].

Labcorp Genetics (formerly Invitae), Labcorp
Classification: Pathogenic for Familial adenomatous polyposis 1. Last evaluated: 2023-07-07. Review status: criteria provided, single submitter. Criteria: Invitae Variant Classification Sherloc (09022015). Collection method: clinical testing. Allele origin: germline.
Comment: Disruption of this splice site has been observed in individual(s) with clinical features of APC-related conditions (PMID: 11933206). It has also been observed to segregate with disease in related individuals. For these reasons, this variant has been classified as Pathogenic. Studies have shown that disruption of this splice site results in skipping of exon 12 (also known as exon 11) and introduces a premature termination codon (PMID: 22987206; Invitae). The resulting mRNA is expected to undergo nonsense-mediated decay. ClinVar contains an entry for this variant (Variation ID: 428160). This variant is also known as IVS11+1G>T. This variant is not present in population databases (gnomAD no frequency). This sequence change affects a donor splice site in intron 12 of the APC gene. RNA analysis indicates that disruption of this splice site induces altered splicing and may result in an absent or disrupted protein product.

Ambry Genetics
Classification: Pathogenic for Hereditary cancer-predisposing syndrome. Last evaluated: 2019-10-11. Review status: criteria provided, single submitter. Criteria: Ambry Variant Classification Scheme 2023. Collection method: clinical testing. Allele origin: germline.
Comment: The c.1548+1G>T intronic pathogenic mutation results from a G to T substitution one nucleotide after coding exon 11 of the APC gene. This mutation has been reported in an FAP family from the Czech Republic and functional studies have shown that it leads to aberrant splicing with two separate truncated protein transcripts observed: one with skipping of exon 11 and one with included both exon 11 and intron 11 (Schwarzov&aacute; L et al. Fam. Cancer 2013 Mar; 12(1):35-42; Kohoutov&aacute; M et al. Hum. Mutat. 2002 Apr; 19(4):460-1). Of note, this alteration is also referred to as IVS11+1G>T in published literature. In addition to the clinical data presented in the literature, alterations that disrupt the canonical splice site are expected to cause aberrant splicing, resulting in an abnormal protein or a transcript that is subject to nonsense-mediated mRNA decay. As such, this alteration is classified as pathogenic.

Literature cited by the submitters: PubMed 11933206 (cited by 3 submitters); PubMed 22987206 (cited by Labcorp Genetics (formerly Invitae), Labcorp and Ambry Genetics).

NM_000038.6(APC):c.1548+1G>T

Gene: APC (APC regulator of Wnt signaling pathway; plus strand). Cytogenetic location: 5q22.2.
Variant type: single nucleotide variant.
Coding change: c.1548+1G>T on transcript NM_000038.6 (MANE Select); the canonical splice donor site of the intron after coding-DNA position 1548, G replaced by T.
Molecular consequence: splice donor variant.
Genome position (GRCh38, 1-based): chr5:112,827,248, G>T. VCF-style: chr5-112827248-G-T. GRCh37 (hg19) VCF-style: chr5-112162945-G-T.
Other names: c.699+1G>T (NM_001407470.1, NM_001354906.2); c.396+1G>T (NM_001407472.1, NM_001407471.1); c.1602+1G>T (NM_001407447.1, NM_001407448.1, NM_001407449.1 and 1 more transcripts); c.1548+1G>T (NM_001354895.2, NM_001407450.1, NM_001127510.3); c.1299+1G>T (NM_001407456.1, NM_001407457.1, NM_001407455.1 and 1 more transcripts); c.1245+1G>T (NM_001407460.1, NM_001407458.1, NM_001407459.1 and 1 more transcripts); c.1518+1G>T (NM_001407452.1); c.1161+1G>T (NM_001407469.1, NM_001407467.1); and 11 more.
Identifiers: ClinVar variation 428160 (VCV000428160.14), dbSNP rs1114167599, ClinGen allele CA360619894.